The following is an entry in ClinVar:

NM_003221.4(TFAP2B):c.830C>G (p.Ser277Trp)

Gene: TFAP2B (transcription factor AP-2 beta; plus strand). Cytogenetic location: 6p12.3.
Variant type: single nucleotide variant.
Coding change: c.830C>G on transcript NM_003221.4 (MANE Select); coding-DNA position 830, C replaced by G.
Protein change: p.Ser277Trp; replaces serine 277 with tryptophan.
Molecular consequence: missense variant.
Genome position (GRCh38, 1-based): chr6:50,837,983, C>G. VCF-style: chr6-50837983-C-G. GRCh37 (hg19) VCF-style: chr6-50805696-C-G.
Other names: short protein forms S277W.
Identifiers: ClinVar variation 374174 (VCV000374174.7), dbSNP rs1057518947, ClinGen allele CA16043417.

ClinVar aggregate classification (germline): Uncertain significance. Review status: criteria provided, multiple submitters, no conflicts (2 of 4 stars). 3 submissions from 2 submitters: Uncertain significance (3). Last evaluated 2021-11-19.

Conditions:
Char syndrome (CHAR). Also called: PATENT DUCTUS ARTERIOSUS WITH FACIAL DYSMORPHISM AND ABNORMAL FIFTH DIGITS. Identifiers: Orphanet 46627, MedGen C1868570, MONDO:0008209, OMIM 169100.
Hypertelorism. Identifiers: MedGen C0020534, OMIM 145400, HP:0000316.
Bifid nasal tip. Identifiers: MedGen C0426428, HP:0000456.
Opacification of the corneal stroma. Identifiers: MedGen C0423250, HP:0007759.
Clinodactyly of the 5th finger. Identifiers: MedGen C1850049, HP:0004209.
Upslanted palpebral fissure. Identifiers: MedGen C0423109, HP:0000582.

Submissions (3):

Illumina Laboratory Services, Illumina
Classification: Uncertain significance for Char syndrome. Last evaluated: 2021-11-19. Review status: criteria provided, single submitter. Criteria: ICSLVariantClassificationCriteria RUGD 01 April 2020. Collection method: clinical testing. Allele origin: unknown.
Comment: The TFAP2B c.830C>G (p.Ser277Trp) missense variant results in the substitution of serine at amino acid position 277 with tryptophan. To our knowledge, this variant has not been reported in the peer-reviewed literature. This variant is not found in version 2.1.1 or version 3.1.2 of the Genome Aggregation Database. This variant lies within the basic domain of the transcription factor AP-2 beta protein, which is necessary for DNA binding (Williams et al. 1991). Variants within the basic domain have been associated with disease and shown to alter the protein's DNA binding ability to have a dominant negative effect on transcription factor transactivation in vitro (Satoda et al. 2000; Zhao et al. 2001). Based on the available evidence, the c.830C>G (p.Ser277Trp) variant is classified as a variant of uncertain significance for Char syndrome.

Centre for Mendelian Genomics, University Medical Centre Ljubljana
Classification: Uncertain significance for Char syndrome. Last evaluated: 2016-01-01. Review status: criteria provided, single submitter. Criteria: ACMG Guidelines, 2015. Collection method: clinical testing. Allele origin: unknown. Affected: yes.
Comment: This variant was classified as: Uncertain significance.

Centre for Mendelian Genomics, University Medical Centre Ljubljana
Classification: Uncertain significance for Bifid nasal tip; Clinodactyly of the 5th finger; Hypertelorism; Opacification of the corneal stroma; Upslanted palpebral fissure. Last evaluated: 2014-05-14. Review status: criteria provided, single submitter. Criteria: ACMG Guidelines, 2015. Collection method: clinical testing. Allele origin: unknown. Affected: yes.

Literature cited by the submitters: PubMed 10802654 (cited by Illumina Laboratory Services, Illumina); PubMed 11505339 (cited by Illumina Laboratory Services, Illumina); PubMed 2010091 (cited by Illumina Laboratory Services, Illumina).